The following is an entry in ClinVar:

ClinVar aggregate classification (germline): Likely pathogenic (1 of 4 stars; one submission).

Conditions:
Hereditary cancer-predisposing syndrome. Also called: Tumor predisposition; Neoplastic Syndromes, Hereditary; Hereditary neoplastic syndrome; Hereditary Cancer Syndrome. Identifiers: Orphanet 140162, MedGen C0027672, MeSH D009386, MONDO:0015356.

Submission:

Molecular Diagnostics Laboratory, Catalan Institute of Oncology
Classification: Likely pathogenic for Hereditary cancer-predisposing syndrome. Last evaluated: 2025-07-16. Review status: criteria provided, single submitter. Criteria: ACMG Guidelines, 2015. Collection method: clinical testing. Allele origin: germline.
Comment: PVS1_Strong, PM2_Supporting, PM5_Supporting The c.2T>A variant alters the translation initiation codon methionine (p.Met1?) of the SDHC protein (PVS1). It is not present in the population database gnomAD v2.1.1, non cancer dataset (PM2_Supporting). It has been reported in several paraganglioma patients (PMID: 19351833 and internal data) (PP4). To our knowledge, functional studies have not been performed for this variant. In addition, it was identified in the LOVD database (2x pathogenic) but it was not identified in the ClinVar database. Other variants affecting the SDHC start codon have been observed in individuals showing SDHC-associated phenotype (PMID 11062460; 19454582, 22351710). Based on currently available information, the variant c.2T>A is classified as a pathogenic variant according to ACMG guidelines.

NM_003001.5(SDHC):c.2T>A (p.Met1Lys)

Gene: SDHC (succinate dehydrogenase complex subunit C; plus strand). Cytogenetic location: 1q23.3.
Variant type: single nucleotide variant.
Coding change: c.2T>A on transcript NM_003001.5 (MANE Select); coding-DNA position 2, T replaced by A.
Protein change: p.Met1Lys; changes the start codon (methionine 1).
Molecular consequence: missense variant, initiator codon variant. On other transcripts: 5 prime UTR variant (2), non-coding transcript variant (1).
Genome position (GRCh38, 1-based): chr1:161,314,407, T>A. VCF-style: chr1-161314407-T-A. GRCh37 (hg19) VCF-style: chr1-161284197-T-A.
Other names: c.2T>A, p.Met1Lys (NM_001035511.3, NM_001035512.3, NM_001035513.3 and 6 more transcripts); c.-559T>A (NM_001407119.1); c.-228T>A (NM_001407120.1); short protein forms M1K.
Identifiers: ClinVar variation 4082304 (VCV004082304.1).